The following is an entry in ClinVar:

NM_014159.7(SETD2):c.4500G>C (p.Glu1500Asp)

Gene: SETD2 (SET domain containing 2, histone lysine methyltransferase; minus strand). Cytogenetic location: 3p21.31.
Variant type: single nucleotide variant.
Coding change: c.4500G>C on transcript NM_014159.7 (MANE Select); coding-DNA position 4500, G replaced by C.
Protein change: p.Glu1500Asp; replaces glutamic acid 1500 with aspartic acid.
Molecular consequence: missense variant. On other transcripts: non-coding transcript variant (1).
Genome position (GRCh38, 1-based): chr3:47,116,709, C>G on the plus strand (G>C on the coding strand, the complement: SETD2 is on the minus strand). VCF-style: chr3-47116709-C-G. GRCh37 (hg19) VCF-style: chr3-47158199-C-G.
Other names: c.4368G>C, p.Glu1456Asp (NM_001349370.3); short protein forms E1456D, E1500D.
Identifiers: ClinVar variation 855455 (VCV000855455.6), dbSNP rs1305683949, ClinGen allele CA352516475.

ClinVar aggregate classification (germline): Uncertain significance (1 of 4 stars; one submission).

Conditions:
Luscan-Lumish syndrome. Identifiers: Orphanet 597738, MedGen C4085873, MONDO:0014791, OMIM 616831.

Submission:

Labcorp Genetics (formerly Invitae), Labcorp
Classification: Uncertain significance for Luscan-Lumish syndrome. Last evaluated: 2022-12-06. Review status: criteria provided, single submitter. Criteria: Invitae Variant Classification Sherloc (09022015). Collection method: clinical testing. Allele origin: germline.
Comment: In summary, the available evidence is currently insufficient to determine the role of this variant in disease. Therefore, it has been classified as a Variant of Uncertain Significance. Advanced modeling of protein sequence and biophysical properties (such as structural, functional, and spatial information, amino acid conservation, physicochemical variation, residue mobility, and thermodynamic stability) performed at Invitae indicates that this missense variant is not expected to disrupt SETD2 protein function. ClinVar contains an entry for this variant (Variation ID: 855455). This variant has not been reported in the literature in individuals affected with SETD2-related conditions. This variant is not present in population databases (gnomAD no frequency). This sequence change replaces glutamic acid, which is acidic and polar, with aspartic acid, which is acidic and polar, at codon 1500 of the SETD2 protein (p.Glu1500Asp).